The following is an entry in ClinVar:

ClinVar aggregate classification (germline): Likely pathogenic (0 of 4 stars; one submission).

Conditions:
Malignant tumor of breast. Also called: Malignant breast neoplasm; Cancer breast. Identifiers: MedGen C0006142, MONDO:0007254. Disease mechanism: loss of function.

Submission:

Department of Pathology and Laboratory Medicine, Sinai Health System
Classification: Likely pathogenic for Malignant tumor of breast. Review status: no assertion criteria provided. Collection method: clinical testing. Allele origin: unknown. Affected: yes. Observed: 1 variant allele. Study: The Canadian Open Genetics Repository (COGR).
Comment: The BRCA2 p.Gly2274TrpfsX19 variant was not identified in the literature nor was it identified in the dbSNP, ClinVar, GeneInsight-COGR, Cosmic, MutDB, LOVD 3.0, UMD-LSDB, BIC, ARUP Laboratories, and Zhejiang Colon Cancer databases. The variant was not identified in the following control databases: the 1000 Genomes Project, the NHLBI GO Exome Sequencing Project, and the Exome Aggregation Consortium (August 8th 2016), or the Genome Aggregation Database (Feb 27, 2017). The c.6819delinsGT variant is predicted to cause a frameshift, which alters the protein's amino acid sequence beginning at codon 2274 and leads to a premature stop codon at position 2292. This alteration is then predicted to result in a truncated or absent protein and loss of function. Loss of function variants of the BRCA2 gene are an established mechanism of disease in hereditary breast and ovarian cancer and is the type of variant expected to cause the disorder. In summary, based on the above information the clinical significance of this variant cannot be determined with certainty at this time although we would lean towards a more pathogenic role for this variant. This variant is classified as likely pathogenic.

NM_000059.4(BRCA2):c.6819delinsGT (p.Gly2274fs)

Gene: BRCA2 (BRCA2 DNA repair associated; plus strand). Cytogenetic location: 13q13.1.
Variant type: Indel.
Coding change: c.6819delinsGT on transcript NM_000059.4 (MANE Select); coding-DNA position 6819, A replaced by GT.
Protein change: p.Gly2274fs; shifts the reading frame from glycine 2274.
Molecular consequence: frameshift variant.
Genome position (GRCh38, 1-based): chr13:32,341,174, A replaced by GT. VCF-style: chr13-32341174-A-GT. GRCh37 (hg19) VCF-style: chr13-32915311-A-GT.
Other names: short protein forms G2274fs.
Identifiers: ClinVar variation 1048992 (VCV001048992.2), dbSNP rs2137530913, ClinGen allele CA2499222254.